The following is an entry in ClinVar:

ClinVar aggregate classification (germline): Conflicting classifications of pathogenicity. Review status: criteria provided, conflicting classifications (1 of 4 stars). 2 submissions from 2 submitters: Uncertain significance (1); Likely benign (1). Last evaluated 2024-08-11.

Allele frequency attached by ClinVar (database versions not stated): 1000 Genomes Project 30x 0.00016; TOPMed 0.00017; 1000 Genomes Project 0.00020; ExAC 0.00003; gnomAD 0.00007; ESP Exome Variant Server 0.00008.
gnomAD v4.1: 47 of 1,614,048 alleles (0.0029%); highest among the groups gnomAD compares: Admixed American, 0.017%; no homozygotes.

Submissions (2):

Ambry Genetics
Classification: Uncertain significance. Last evaluated: 2024-08-11. Review status: criteria provided, single submitter. Criteria: Ambry Variant Classification Scheme 2023. Collection method: clinical testing. Allele origin: germline.

CeGaT Center for Human Genetics Tuebingen
Classification: Likely benign. Last evaluated: 2023-03-01. Review status: criteria provided, single submitter. Criteria: CeGaT Center For Human Genetics Tuebingen Variant Classification Criteria Version 2. Collection method: clinical testing. Allele origin: germline. Affected: yes. Observed: 1 variant allele.
Comment: TRPM2: BP4

NM_003307.4(TRPM2):c.1405C>T (p.Arg469Cys)

Gene: TRPM2 (transient receptor potential cation channel subfamily M member 2; plus strand). Cytogenetic location: 21q22.3.
Variant type: single nucleotide variant.
Coding change: c.1405C>T on transcript NM_003307.4 (MANE Select); coding-DNA position 1405, C replaced by T.
Protein change: p.Arg469Cys; replaces arginine 469 with cysteine.
Molecular consequence: missense variant. On other transcripts: non-coding transcript variant (1).
Genome position (GRCh38, 1-based): chr21:44,390,990, C>T. VCF-style: chr21-44390990-C-T. GRCh37 (hg19) VCF-style: chr21-45810873-C-T.
Other names: c.1405C>T (NM_003307.3); c.1405C>T, p.Arg469Cys (NM_001320350.2, NM_001320351.2); short protein forms R469C.
Identifiers: ClinVar variation 2652747 (VCV002652747.25), dbSNP rs182004440, ClinGen allele CA10054525.
Genomic context (GRCh38, chr21:44,390,990, plus strand): 5'-CACGAGAACTGGGACCACCAGCTGAAACTGGCAGTGGCATGGAATCGCGTGGACATTGCC[C>T]GCAGTGAGATCTTCATGGATGAGTGGCAGTGGAAGGTAAGTCTTCCAGAGCACCCCGTGG-3'
Protein context (NP_003298.2, residues 459-479): AVAWNRVDIA[Arg469Cys]SEIFMDEWQW